The following is an entry in ClinVar:

NM_000047.3(ARSL):c.1169C>T (p.Pro390Leu)

Gene: ARSL (arylsulfatase L; minus strand). Cytogenetic location: Xp22.33.
Variant type: single nucleotide variant.
Coding change: c.1169C>T on transcript NM_000047.3 (MANE Select); coding-DNA position 1169, C replaced by T.
Protein change: p.Pro390Leu; replaces proline 390 with leucine.
Molecular consequence: missense variant.
Genome position (GRCh38, 1-based): chrX:2,938,215, G>A on the plus strand (C>T on the coding strand, the complement: ARSL is on the minus strand). VCF-style: chrX-2938215-G-A. GRCh37 (hg19) VCF-style: chrX-2856256-G-A.
Other names: c.1244C>T, p.Pro415Leu (NM_001282628.2, NM_001369080.1); c.1007C>T, p.Pro336Leu (NM_001282631.2); c.1196C>T, p.Pro399Leu (NM_001369079.1); short protein forms P336L, P390L, P399L, P415L.
Identifiers: ClinVar variation 3602874 (VCV003602874.1).
Genomic context (GRCh38, chrX:2,938,215, plus strand): 5'-CTCGTGGGCTCGCCAATCACTCGGCCGGCCGGGAGCACCCCGGGCCAGCGGAAGATCCCG[G>A]GCACGCGGATCCCACCTTCCCATCCTCCCATGCCCTTCCCACCTGGGTTTGAACAGAAAC-3'
Protein context (NP_000038.2, residues 380-400): MGGWEGGIRV[Pro390Leu]GIFRWPGVLP

ClinVar aggregate classification (germline): Uncertain significance (1 of 4 stars; one submission).

Submission:

GeneDx
Classification: Uncertain significance. Last evaluated: 2024-08-09. Review status: criteria provided, single submitter. Criteria: GeneDx Variant Classification Process June 2021. Collection method: clinical testing. Allele origin: germline. Affected: yes.
Comment: Not observed at significant frequency in large population cohorts (gnomAD); In silico analysis supports that this missense variant has a deleterious effect on protein structure/function; Has not been previously published as pathogenic or benign to our knowledge